The following is an entry in ClinVar:

ClinVar aggregate classification (germline): Uncertain significance (1 of 4 stars; one submission).

Conditions:
Ciliary dyskinesia, primary, 45. Also called: CILIARY DYSKINESIA, PRIMARY, 45, WITHOUT SITUS INVERSUS. Identifiers: MedGen C5394104, MONDO:0032924, OMIM 618801.

Submission:

Institute of Human Genetics, University of Leipzig Medical Center
Classification: Uncertain significance for Ciliary dyskinesia, primary, 45. Last evaluated: 2026-04-13. Review status: criteria provided, single submitter. Criteria: ACMG Guidelines, 2015. Collection method: clinical testing. Allele origin: unknown. Inheritance: Autosomal recessive inheritance. Affected: yes.
Comment: Criteria applied: PM2

NM_017868.4(TTC12):c.1078A>C (p.Ser360Arg)

Genes: TTC12 (tetratricopeptide repeat domain 12; plus strand), LOC126861342 (MED14-independent group 3 enhancer GRCh37_chr11:113214693-113215892; plus strand). Cytogenetic location: 11q23.2.
Variant type: single nucleotide variant.
Coding change: c.1078A>C on transcript NM_017868.4 (MANE Select); coding-DNA position 1078, A replaced by C.
Protein change: p.Ser360Arg; replaces serine 360 with arginine.
Molecular consequence: missense variant. On other transcripts: non-coding transcript variant (3).
Genome position (GRCh38, 1-based): chr11:113,344,364, A>C. VCF-style: chr11-113344364-A-C. GRCh37 (hg19) VCF-style: chr11-113215086-A-C.
Other names: c.1096A>C, p.Ser366Arg (NM_001318533.2); c.1003A>C, p.Ser335Arg (NM_001352037.2); c.1081A>C, p.Ser361Arg (NM_001378063.1); c.1078A>C, p.Ser360Arg (NM_001378064.1, NM_001378065.1); short protein forms S335R, S360R, S361R, S366R.
Identifiers: ClinVar variation 4857459 (VCV004857459.1).